The following is an entry in ClinVar:

NC_000017.10:g.(?_59544851)_(59545038_?)del

Gene: TBX4 (T-box transcription factor 4; plus strand). Cytogenetic location: 17q23.2.
Variant type: Deletion.
Identifiers: ClinVar variation 3243199 (VCV003243199.1).

ClinVar aggregate classification (germline): Pathogenic (1 of 4 stars; one submission).

Submission:

Labcorp Genetics (formerly Invitae), Labcorp
Classification: Pathogenic. Last evaluated: 2023-01-10. Review status: criteria provided, single submitter. Criteria: Invitae Variant Classification Sherloc (09022015). Collection method: clinical testing. Allele origin: unknown.
Comment: For these reasons, this variant has been classified as Pathogenic. This variant has not been reported in the literature in individuals affected with TBX4-related conditions. This variant is a gross deletion of the genomic region encompassing exon(s) 4 of the TBX4 gene. This deletion is out-of-frame, and is expected to create a premature termination codon and result in an absent or disrupted protein product. Loss-of-function variants in TBX4 are known to be pathogenic (PMID: 15106123, 31151956, 31761294, 31965066, 32079640).

Literature cited by the submitters: PubMed 15106123; PubMed 31151956; PubMed 31761294; PubMed 31965066; PubMed 32079640.